The following is an entry in ClinVar:

NM_001127222.2(CACNA1A):c.4612A>C (p.Ile1538Leu)

Gene: CACNA1A (calcium voltage-gated channel subunit alpha1 A; minus strand). Cytogenetic location: 19p13.13.
Variant type: single nucleotide variant.
Coding change: c.4612A>C on transcript NM_001127222.2 (MANE Select); coding-DNA position 4612, A replaced by C.
Protein change: p.Ile1538Leu; replaces isoleucine 1538 with leucine.
Molecular consequence: missense variant.
Genome position (GRCh38, 1-based): chr19:13,255,238, T>G on the plus strand (A>C on the coding strand, the complement: CACNA1A is on the minus strand). VCF-style: chr19-13255238-T-G. GRCh37 (hg19) VCF-style: chr19-13366052-T-G.
Other names: c.4624A>C, p.Ile1542Leu (NM_000068.4, NM_023035.3); c.4615A>C, p.Ile1539Leu (NM_001127221.2, NM_001174080.2); short protein forms I1539L, I1538L, I1542L.
Identifiers: ClinVar variation 2943419 (VCV002943419.3), dbSNP rs2512728885, ClinGen allele CA404338642.

ClinVar aggregate classification (germline): Uncertain significance (1 of 4 stars; one submission).

Conditions:
Episodic ataxia type 2 (EA2). Also called: CEREBELLAR ATAXIA, PAROXYSMAL, ACETAZOLAMIDE-RESPONSIVE; CEREBELLOPATHY, HEREDITARY PAROXYSMAL; EPISODIC ATAXIA, NYSTAGMUS-ASSOCIATED; ACETAZOLAMIDE-RESPONSIVE HEREDITARY PAROXYSMAL CEREBELLAR ATAXIA; ATAXIA, EPISODIC, WITH NYSTAGMUS; ATAXIA, FAMILIAL PAROXYSMAL. Identifiers: Orphanet 97, MedGen C1720416, MONDO:0007163, OMIM 108500.
Developmental and epileptic encephalopathy, 42 (DEE42A). Also called: Epileptic encephalopathy, early infantile, 42; DEVELOPMENTAL AND EPILEPTIC ENCEPHALOPATHY 42A; EPILEPTIC ENCEPHALOPATHY, EARLY INFANTILE, 42A. Identifiers: MedGen C4310716, MONDO:0014917, OMIM 617106.

Submission:

Labcorp Genetics (formerly Invitae), Labcorp
Classification: Uncertain significance for Developmental and epileptic encephalopathy, 42; Episodic ataxia type 2. Last evaluated: 2023-10-03. Review status: criteria provided, single submitter. Criteria: Invitae Variant Classification Sherloc (09022015). Collection method: clinical testing. Allele origin: germline.
Comment: This sequence change replaces isoleucine, which is neutral and non-polar, with leucine, which is neutral and non-polar, at codon 1539 of the CACNA1A protein (p.Ile1539Leu). This variant is not present in population databases (gnomAD no frequency). This variant has not been reported in the literature in individuals affected with CACNA1A-related conditions. Advanced modeling of protein sequence and biophysical properties (such as structural, functional, and spatial information, amino acid conservation, physicochemical variation, residue mobility, and thermodynamic stability) performed at Invitae indicates that this missense variant is not expected to disrupt CACNA1A protein function. In summary, the available evidence is currently insufficient to determine the role of this variant in disease. Therefore, it has been classified as a Variant of Uncertain Significance.